The following is an entry in ClinVar:

NM_003873.7(NRP1):c.1684A>C (p.Ile562Leu)

Gene: NRP1 (neuropilin 1; minus strand). Cytogenetic location: 10p11.22.
Variant type: single nucleotide variant.
Coding change: c.1684A>C on transcript NM_003873.7 (MANE Select); coding-DNA position 1684, A replaced by C.
Protein change: p.Ile562Leu; replaces isoleucine 562 with leucine.
Molecular consequence: missense variant. On other transcripts: non-coding transcript variant (1).
Genome position (GRCh38, 1-based): chr10:33,207,647, T>G on the plus strand (A>C on the coding strand, the complement: NRP1 is on the minus strand). VCF-style: chr10-33207647-T-G. GRCh37 (hg19) VCF-style: chr10-33496575-T-G.
Other names: c.1684A>C, p.Ile562Leu (NM_001024628.3, NM_001024629.3, NM_001244972.2 and 2 more transcripts); short protein forms I562L.
Identifiers: ClinVar variation 2321999 (VCV002321999.3), dbSNP rs1163132501, ClinGen allele CA376469108.
Genomic context (GRCh38, chr10:33,207,647, plus strand): 5'-CCAGCAGCTCCATTCTGAGCCCCAGTCCGCCATGAGTGGCTCTCTCGGGGTAGATCCTGA[T>G]GAATCGCGTGGAGAGAGCTGGAAAAGTCCGCAGCTCAGGTGTATCATAGTTGTTGTTGCC-3'
Protein context (NP_003864.5, residues 552-572): RTFPALSTRF[Ile562Leu]RIYPERATHG

ClinVar aggregate classification (germline): Uncertain significance. Review status: criteria provided, multiple submitters, no conflicts (2 of 4 stars). 2 submissions from 2 submitters: Uncertain significance (2). Last evaluated 2026-05-14.

Conditions:
NRP1-related disorder. Also called: NRP1-related condition.

Allele frequency attached by ClinVar (database versions not stated): gnomAD exomes below 0.00001.
gnomAD v4.1: 4 of 1,614,130 alleles (0.00025%); highest among the groups gnomAD compares: Non-Finnish European, 0.00025%; no homozygotes.

Submissions (2):

PreventionGenetics, part of Exact Sciences
Classification: Uncertain significance for NRP1-related condition. Last evaluated: 2026-05-14. Review status: criteria provided, single submitter. Criteria: ACMG Guidelines, 2015. Collection method: clinical testing. Allele origin: germline.
Comment: The NRP1 c.1684A>C variant is predicted to result in the amino acid substitution p.Ile562Leu. To our knowledge, this variant has not been reported in the literature. This variant is reported in 0.029% of alleles in individuals of European (Finnish) descent in gnomAD. At this time, the clinical significance of this variant is uncertain due to the absence of conclusive functional and genetic evidence.

Ambry Genetics
Classification: Uncertain significance. Last evaluated: 2022-11-01. Review status: criteria provided, single submitter. Criteria: Ambry Variant Classification Scheme 2023. Collection method: clinical testing. Allele origin: germline.